The following is an entry in ClinVar:

NM_000030.3(AGXT):c.776+1G>A

Gene: AGXT (alanine--glyoxylate aminotransferase; plus strand). Cytogenetic location: 2q37.3.
Variant type: single nucleotide variant.
Coding change: c.776+1G>A on transcript NM_000030.3 (MANE Select); the canonical splice donor site of the intron after coding-DNA position 776, G replaced by A.
Molecular consequence: splice donor variant.
Genome position (GRCh38, 1-based): chr2:240,875,205, G>A. VCF-style: chr2-240875205-G-A. GRCh37 (hg19) VCF-style: chr2-241814622-G-A.
Identifiers: ClinVar variation 204157 (VCV000204157.8), dbSNP rs180177265, ClinGen allele CA275797.
Genomic context (GRCh38, chr2:240,875,205, plus strand): 5'-CTTCTACCTGGACATCAAGTGGCTGGCCAACTTCTGGGGCTGTGACGACCAGCCCAGGAT[G>A]TGAGGCCTGGCAGGGATGGGAAGGTGGAGGGCGCTGGGCATGGCTGAGAGGTGGGGCGCT-3'

ClinVar aggregate classification (germline): Pathogenic. Review status: criteria provided, multiple submitters, no conflicts (2 of 4 stars). 3 submissions from 3 submitters: Pathogenic (2). 1 of the submissions does not count toward it. Last evaluated 2025-03-04.

Conditions:
Primary hyperoxaluria, type I (HP1). Also called: OXALOSIS I; GLYCOLIC ACIDURIA; HEPATIC AGT DEFICIENCY; Primary hyperoxaluria type 1. Identifiers: Orphanet 416, Orphanet 93598, MedGen C0268164, MONDO:0009823, OMIM 259900. Disease mechanism: loss of function.

Allele frequency attached by ClinVar (database versions not stated): gnomAD exomes below 0.00001.
gnomAD v4.1: 1 of 1,610,362 alleles (0.000062%); highest among the groups gnomAD compares: Non-Finnish European, 0.000085%; no homozygotes.

Submissions (3):

Variantyx, Inc.
Classification: Pathogenic for Primary hyperoxaluria, type I. Last evaluated: 2025-03-04. Review status: criteria provided, single submitter. Criteria: Variantyx Assertion Criteria 2022. Collection method: clinical testing. Allele origin: germline. Inheritance: Autosomal recessive inheritance. Affected: yes.
Comment: This is a canonical splicing variant in the AGXT gene (OMIM: 604285). Pathogenic variants in this gene have been associated with autosomal recessive primary hyperoxaluria type 1. This splicing variant is expected to result in loss of function, which is a known disease mechanism for AGXT in this disorder (PMID: 17460142) (PVS1). It has been reported in the homozygous or compound heterozygous state in at least one affected individual and in the current proband, (PMID: 17460142) (PM3), and it has a 0.0001% maximum allele frequency in non-founder control populations (PM2). Based on the current evidence, this variant is classified as pathogenic for autosomal recessive primary hyperoxaluria type 1.

Labcorp Genetics (formerly Invitae), Labcorp
Classification: Pathogenic. Last evaluated: 2024-01-31. Review status: criteria provided, single submitter. Criteria: Invitae Variant Classification Sherloc (09022015). Collection method: clinical testing. Allele origin: germline.
Comment: This sequence change affects a donor splice site in intron 7 of the AGXT gene. It is expected to disrupt RNA splicing. Variants that disrupt the donor or acceptor splice site typically lead to a loss of protein function (PMID: 16199547), and loss-of-function variants in AGXT are known to be pathogenic (PMID: 19479957). This variant is present in population databases (rs180177265, gnomAD 0.0009%). Disruption of this splice site has been observed in individual(s) with primary hyperoxaluria, type 1 (PMID: 17460142). ClinVar contains an entry for this variant (Variation ID: 204157). Algorithms developed to predict the effect of sequence changes on RNA splicing suggest that this variant may disrupt the consensus splice site. For these reasons, this variant has been classified as Pathogenic.

Clinical Biochemistry Laboratory, Health Services Laboratory
Classification: Pathogenic for Primary hyperoxaluria, type I. Last evaluated: 2014-11-27. Review status: no assertion criteria provided. Collection method: research. Allele origin: germline. Affected: yes. Not counted in ClinVar's aggregate classification.
Comment: inclusion of 24 nucleotides

Literature cited by the submitters: PubMed 17460142 (cited by 3 submitters); PubMed 17495019 (cited by Variantyx, Inc. and Clinical Biochemistry Laboratory, Health Services Laboratory); PubMed 16199547 (cited by Labcorp Genetics (formerly Invitae), Labcorp); PubMed 19479957 (cited by Labcorp Genetics (formerly Invitae), Labcorp).